The following is an entry in ClinVar:

NM_006267.5(RANBP2):c.2147A>G (p.Asp716Gly)

Gene: RANBP2 (RAN binding protein 2; plus strand). Cytogenetic location: 2q13.
Variant type: single nucleotide variant.
Coding change: c.2147A>G on transcript NM_006267.5 (MANE Select); coding-DNA position 2147, A replaced by G.
Protein change: p.Asp716Gly; replaces aspartic acid 716 with glycine.
Molecular consequence: missense variant.
Genome position (GRCh38, 1-based): chr2:108,753,916, A>G. VCF-style: chr2-108753916-A-G. GRCh37 (hg19) VCF-style: chr2-109370372-A-G.
Other names: short protein forms D716G.
Identifiers: ClinVar variation 537217 (VCV000537217.7), dbSNP rs771554716, ClinGen allele CA1822574.

ClinVar aggregate classification (germline): Uncertain significance (1 of 4 stars; one submission).

Conditions:
Familial acute necrotizing encephalopathy (IIAE3). Also called: Susceptibility to Acute Necrotizing Encephalopathy 1; ENCEPHALOPATHY, ACUTE, INFECTION-INDUCED, SUSCEPTIBILITY TO, 3. Identifiers: Orphanet 88619, MedGen C2675556, MONDO:0011953, OMIM 608033.

Allele frequency attached by ClinVar (database versions not stated): gnomAD exomes 0.00005 and 0.00004; gnomAD 0.00006; ExAC 0.00013; TOPMed 0.00003.
gnomAD v4.1: 63 of 1,611,910 alleles (0.0039%); highest among the groups gnomAD compares: Admixed American, 0.0083%; no homozygotes.

Submission:

Labcorp Genetics (formerly Invitae), Labcorp
Classification: Uncertain significance for Familial acute necrotizing encephalopathy. Last evaluated: 2024-10-29. Review status: criteria provided, single submitter. Criteria: Invitae Variant Classification Sherloc (09022015). Collection method: clinical testing. Allele origin: germline.
Comment: This sequence change replaces aspartic acid, which is acidic and polar, with glycine, which is neutral and non-polar, at codon 716 of the RANBP2 protein (p.Asp716Gly). The frequency data for this variant in the population databases is considered unreliable, as metrics indicate poor data quality at this position in the gnomAD database. This variant has not been reported in the literature in individuals affected with RANBP2-related conditions. ClinVar contains an entry for this variant (Variation ID: 537217). An algorithm developed to predict the effect of missense changes on protein structure and function (PolyPhen-2) suggests that this variant is likely to be tolerated. In summary, the available evidence is currently insufficient to determine the role of this variant in disease. Therefore, it has been classified as a Variant of Uncertain Significance.